The following is an entry in ClinVar:

ClinVar aggregate classification (germline): Uncertain significance (1 of 4 stars; one submission).

gnomAD v4.1: 4 of 1,614,116 alleles (0.00025%); highest among the groups gnomAD compares: South Asian, 0.0044%; no homozygotes.

Submission:

Labcorp Genetics (formerly Invitae), Labcorp
Classification: Uncertain significance. Last evaluated: 2022-10-28. Review status: criteria provided, single submitter. Criteria: Invitae Variant Classification Sherloc (09022015). Collection method: clinical testing. Allele origin: germline.
Comment: In summary, the available evidence is currently insufficient to determine the role of this variant in disease. Therefore, it has been classified as a Variant of Uncertain Significance. Algorithms developed to predict the effect of missense changes on protein structure and function are either unavailable or do not agree on the potential impact of this missense change (SIFT: "Deleterious"; PolyPhen-2: "Probably Damaging"; Align-GVGD: "Class C15"). This variant has not been reported in the literature in individuals affected with PCARE-related conditions. This variant is not present in population databases (gnomAD no frequency). This sequence change replaces glycine, which is neutral and non-polar, with valine, which is neutral and non-polar, at codon 366 of the PCARE protein (p.Gly366Val).

NM_001029883.3(PCARE):c.1097G>T (p.Gly366Val)

Gene: PCARE (photoreceptor cilium actin regulator; minus strand). Cytogenetic location: 2p23.2.
Variant type: single nucleotide variant.
Coding change: c.1097G>T on transcript NM_001029883.3 (MANE Select); coding-DNA position 1097, G replaced by T.
Protein change: p.Gly366Val; replaces glycine 366 with valine.
Molecular consequence: missense variant.
Genome position (GRCh38, 1-based): chr2:29,073,165, C>A on the plus strand (G>T on the coding strand, the complement: PCARE is on the minus strand). VCF-style: chr2-29073165-C-A. GRCh37 (hg19) VCF-style: chr2-29296031-C-A.
Other names: short protein forms G366V.
Identifiers: ClinVar variation 2007763 (VCV002007763.4), dbSNP rs1667523729, ClinGen allele CA346480908.